The following is an entry in ClinVar:

NM_001371928.1(AHDC1):c.2962A>G (p.Thr988Ala)

Gene: AHDC1 (AT-hook DNA binding motif containing 1; minus strand). Cytogenetic location: 1p36.11.
Variant type: single nucleotide variant.
Coding change: c.2962A>G on transcript NM_001371928.1 (MANE Select); coding-DNA position 2962, A replaced by G.
Protein change: p.Thr988Ala; replaces threonine 988 with alanine.
Molecular consequence: missense variant.
Genome position (GRCh38, 1-based): chr1:27,549,154, T>C on the plus strand (A>G on the coding strand, the complement: AHDC1 is on the minus strand). VCF-style: chr1-27549154-T-C. GRCh37 (hg19) VCF-style: chr1-27875665-T-C.
Other names: c.2962A>G, p.Thr988Ala (NM_001029882.3); short protein forms T988A.
Identifiers: ClinVar variation 2957403 (VCV002957403.3), dbSNP rs765376039, ClinGen allele CA715652.

ClinVar aggregate classification (germline): Uncertain significance (1 of 4 stars; one submission).

Allele frequency attached by ClinVar (database versions not stated): TOPMed below 0.00001; gnomAD exomes 0.00001; gnomAD 0.00001; ExAC 0.00001.
gnomAD v4.1: 5 of 1,564,616 alleles (0.00032%); highest among the groups gnomAD compares: Admixed American, 0.0088%; no homozygotes.

Submission:

Labcorp Genetics (formerly Invitae), Labcorp
Classification: Uncertain significance. Last evaluated: 2025-10-01. Review status: criteria provided, single submitter. Criteria: Invitae Variant Classification Sherloc (09022015). Collection method: clinical testing. Allele origin: germline.
Comment: This sequence change replaces threonine, which is neutral and polar, with alanine, which is neutral and non-polar, at codon 988 of the AHDC1 protein (p.Thr988Ala). This variant is present in population databases (rs765376039, gnomAD 0.007%). This variant has not been reported in the literature in individuals affected with AHDC1-related conditions. ClinVar contains an entry for this variant (Variation ID: 2957403). An algorithm developed to predict the effect of missense changes on protein structure and function (PolyPhen-2) suggests that this variant is likely to be tolerated. In summary, the available evidence is currently insufficient to determine the role of this variant in disease. Therefore, it has been classified as a Variant of Uncertain Significance.